The following continues an entry in ClinVar:

NM_000051.4(ATM):c.3712_3716del (p.Leu1238fs)

Gene: ATM. ClinVar aggregate classification (germline): Pathogenic/Likely pathogenic. Pathogenic (15); Likely pathogenic (1). ClinVar aggregate classification (oncogenicity): Likely oncogenic.

Submissions 11 to 19 of 19:

GeneDx
Classification: Pathogenic. Last evaluated: 2024-03-12. Review status: criteria provided, single submitter. Criteria: GeneDx Variant Classification Process June 2021. Collection method: clinical testing. Allele origin: germline. Affected: yes.
Comment: Frameshift variant predicted to result in protein truncation or nonsense mediated decay in a gene for which loss-of-function is a known mechanism of disease; Observed heterozygous in individuals with ATM-related cancers (PMID: 30303537, 31432501); Not observed in large population cohorts (gnomAD); Truncating variants in this gene are considered pathogenic by a well-established clinical consortium and/or database; Also known as 3711del5 and c.3705delTTTTA; This variant is associated with the following publications: (PMID: 21933854, 21445571, 16238588, 27664052, 34234304, 32782288, 29922827, 22071889, 10817650, 9043869, 23091097, 9792409, 27528516, 26556299, 30303537, 31432501, 31589614, 33436325, 35312039, 12815592)

Baylor Genetics
Classification: Pathogenic for Familial cancer of breast. Last evaluated: 2024-02-21. Review status: criteria provided, single submitter. Criteria: ACMG Guidelines, 2015. Collection method: clinical testing. Allele origin: unknown.

Myriad Genetics, Inc.
Classification: Pathogenic for Familial cancer of breast. Last evaluated: 2024-01-22. Review status: criteria provided, single submitter. Criteria: Myriad Autosomal Dominant, Autosomal Recessive and X-Linked Classification Criteria (2023). Collection method: clinical testing. Allele origin: unknown.
Comment: This variant is considered pathogenic. This variant creates a frameshift predicted to result in premature protein truncation.

Greenwood Genetic Center Diagnostic Laboratories, Greenwood Genetic Center
Classification: Pathogenic for Ataxia-telangiectasia syndrome. Last evaluated: 2022-08-29. Review status: criteria provided, single submitter. Criteria: ACMG Guidelines, 2015. Collection method: clinical testing. Allele origin: germline.
Comment: PVS1 PS3 PM2

Fulgent Genetics
Classification: Pathogenic for Familial cancer of breast; Ataxia-telangiectasia syndrome. Last evaluated: 2021-11-23. Review status: criteria provided, single submitter. Criteria: ACMG Guidelines, 2015. Collection method: clinical testing. Allele origin: unknown.

Women's Health and Genetics/Laboratory Corporation of America, LabCorp
Classification: Pathogenic for Ataxia-telangiectasia syndrome. Last evaluated: 2017-10-30. Review status: criteria provided, single submitter. Criteria: LabCorp Variant Classification Summary - May 2015. Collection method: clinical testing. Allele origin: germline.
Comment: Variant summary: The ATM c.3712_3716delTTATT (p.Leu1238LysfsX6) variant results in a premature termination codon, predicted to cause a truncated or absent ATM protein due to nonsense mediated decay, which are commonly known mechanisms for disease. This variant is absent in 241134 control chromosomes (gnomAD). Multiple publications have cited the variant in homozygote and compound heterozygote A-T pts. In addition, multiple clinical diagnostic laboratories classified this variant as "likely pathogenic/pathogenic." Taken together, this variant is classified as pathogenic.

University of Washington Department of Laboratory Medicine, University of Washington
Classification: Likely pathogenic for Hereditary cancer-predisposing syndrome. Last evaluated: 2015-11-20. Review status: criteria provided, single submitter. Criteria: Shirts et al. (Genet Med 2016). Collection method: clinical testing. Allele origin: germline. Observed: 1 variant allele.

Genetic Services Laboratory, University of Chicago
Classification: Pathogenic. Last evaluated: 2022-07-29. Review status: no assertion criteria provided. Collection method: clinical testing. Allele origin: germline. Affected: yes. Not counted in ClinVar's aggregate classification.
Comment: DNA sequence analysis of the ATM gene demonstrated a 5 base pair deletion in exon 25, c.3712_3716del. This sequence change results in an amino acid frameshift and creates a premature stop codon 5 amino acids downstream of the change, p.Leu1238Lysfs*6. This sequence change is predicted to result in an abnormal transcript, which may be degraded, or may lead to the production of a truncated ATM protein with potentially abnormal function. The c.3712_3716del sequence change has not been described in population databases such as ExAC and gnomAD. The c.3712_3716del sequence change has previously been described in the compound heterozygous state in individuals with ataxia-telangiectasia (PMID: 22071889, 27528516). This variant has also been identified in the germline heterozygous state in an individual with esophagogastric adenocarcinoma and in an individual with familial pancreatic cancer (PMID: 26556299, 31432501). Similar frameshift variants in this region have also been described in individuals with ATM-related disorders and have been described as pathogenic.

Medical Genetics Laboratory, Umraniye Training and Research Hospital, University of Health Sciences
Classification: Pathogenic for Familial cancer of breast. Last evaluated: 2021-08-07. Review status: no assertion criteria provided. Collection method: clinical testing. Allele origin: germline. Inheritance: Autosomal dominant inheritance. Affected: yes. Observed: 1 variant allele, 1 heterozygote. Not counted in ClinVar's aggregate classification.

Literature cited by the submitters: PubMed 23807571 (cited by Labcorp Genetics (formerly Invitae), Labcorp and Ambry Genetics); PubMed 25614872 (cited by Labcorp Genetics (formerly Invitae), Labcorp and Ambry Genetics); PubMed 21665257 (cited by 3 submitters); PubMed 21933854 (cited by Labcorp Genetics (formerly Invitae), Labcorp); PubMed 22071889 (cited by 5 submitters); PubMed 26845104 (cited by 3 submitters); PubMed 27528516 (cited by 3 submitters); PubMed 16603769 (cited by Center for Genomic Medicine, Rigshospitalet, Copenhagen University Hospital); PubMed 31432501 (cited by Dasa and Ambry Genetics); PubMed 27664052 (cited by 3 submitters); PubMed 33436325 (cited by Dasa and Ambry Genetics); PubMed 30580288 (cited by Dasa and Ambry Genetics); PubMed 26556299 (cited by Dasa and Ambry Genetics); PubMed 3574400 (cited by Dasa); PubMed 27595995 (cited by Dasa); PubMed 15928302 (cited by Dasa); PubMed 9792409 (cited by 3 submitters); PubMed 10817650 (cited by 3 submitters); PubMed 12815592 (cited by Color Diagnostics, LLC DBA Color Health and Ambry Genetics); PubMed 35892882 (cited by Center for Genomic Medicine, Rigshospitalet, Copenhagen University Hospital); PubMed 35017683 (cited by Center for Genomic Medicine, Rigshospitalet, Copenhagen University Hospital); PubMed 21445571 (cited by Ambry Genetics); PubMed 29906526 (cited by Ambry Genetics); PubMed 9043869 (cited by Ambry Genetics).